The following is an entry in ClinVar:

ClinVar aggregate classification (germline): Uncertain significance (1 of 4 stars; one submission).

Submission:

Labcorp Genetics (formerly Invitae), Labcorp
Classification: Uncertain significance. Last evaluated: 2022-12-06. Review status: criteria provided, single submitter. Criteria: Invitae Variant Classification Sherloc (09022015). Collection method: clinical testing. Allele origin: germline.
Comment: This sequence change replaces glutamic acid, which is acidic and polar, with lysine, which is basic and polar, at codon 2076 of the KMT2A protein (p.Glu2076Lys). This variant is not present in population databases (gnomAD no frequency). This variant has not been reported in the literature in individuals affected with KMT2A-related conditions. Advanced modeling of protein sequence and biophysical properties (such as structural, functional, and spatial information, amino acid conservation, physicochemical variation, residue mobility, and thermodynamic stability) has been performed at Invitae for this missense variant, however the output from this modeling did not meet the statistical confidence thresholds required to predict the impact of this variant on KMT2A protein function. In summary, the available evidence is currently insufficient to determine the role of this variant in disease. Therefore, it has been classified as a Variant of Uncertain Significance.

NM_001197104.2(KMT2A):c.6226G>A (p.Glu2076Lys)

Gene: KMT2A (lysine methyltransferase 2A; plus strand). Cytogenetic location: 11q23.3.
Variant type: single nucleotide variant.
Coding change: c.6226G>A on transcript NM_001197104.2 (MANE Select); coding-DNA position 6226, G replaced by A.
Protein change: p.Glu2076Lys; replaces glutamic acid 2076 with lysine.
Molecular consequence: missense variant.
Genome position (GRCh38, 1-based): chr11:118,501,054, G>A. VCF-style: chr11-118501054-G-A. GRCh37 (hg19) VCF-style: chr11-118371769-G-A.
Other names: c.6316G>A, p.Glu2106Lys (NM_001412597.1); c.6217G>A, p.Glu2073Lys (NM_005933.4); short protein forms E2076K, E2106K, E2073K.
Identifiers: ClinVar variation 2092365 (VCV002092365.4), dbSNP rs2496979278, ClinGen allele CA382800992.